The following is an entry in ClinVar:

ClinVar aggregate classification (germline): Uncertain significance (1 of 4 stars; one submission).

Conditions:
Fabry disease. Also called: ALPHA-GALACTOSIDASE A DEFICIENCY; ANDERSON-FABRY DISEASE; CERAMIDE TRIHEXOSIDASE DEFICIENCY; GLA DEFICIENCY; HEREDITARY DYSTOPIC LIPIDOSIS; Angiokeratoma corporis diffusum. Identifiers: Orphanet 324, MedGen C0002986, MONDO:0010526, OMIM 301500, HP:0001071. Disease mechanism: Fabry disease is due to inactivating mutations in the X-linked GLA gene resulting in deficiency of the enzyme Alpha Galactosidase-A., loss of function.

Submission:

Genomenon, Inc
Classification: Uncertain significance for Fabry disease. Last evaluated: 2026-09-08. Review status: criteria provided, single submitter. Criteria: Genomenon Sequence Variant Interpretation Standards - Updated. Collection method: curation. Allele origin: germline. Affected: no.
Comment: GLA p.Lys130Arg (c.389A>G) is a missense variant that changes the amino acid at codon 130 from Lysine to Arginine. This variant has been reported in the published literature (PMID:27657681). It is absent or not present at a significant frequency in gnomAD. In silico models predict that this variant is possibly or probably damaging. In conclusion, we classify GLA p.Lys130Arg (c.389A>G) as a variant of uncertain significance.

Literature cited by the submitters: PubMed 27657681.

NM_000169.3(GLA):c.389A>G (p.Lys130Arg)

Genes: GLA (galactosidase alpha; minus strand), RPL36A-HNRNPH2 (RPL36A-HNRNPH2 readthrough; plus strand). Cytogenetic location: Xq22.1.
Variant type: single nucleotide variant.
Coding change: c.389A>G on transcript NM_000169.3 (MANE Select); coding-DNA position 389, A replaced by G.
Protein change: p.Lys130Arg; replaces lysine 130 with arginine.
Molecular consequence: missense variant. On other transcripts: non-coding transcript variant (3), intron variant (2).
Genome position (GRCh38, 1-based): chrX:101,401,790, T>C on the plus strand (A>G on the coding strand, the complement: GLA is on the minus strand). VCF-style: chrX-101401790-T-C. GRCh37 (hg19) VCF-style: chrX-100656778-T-C.
Other names: c.512A>G, p.Lys171Arg (NM_001406747.1, NM_001406749.1); c.389A>G, p.Lys130Arg (NM_001406748.1); c.300+6333T>C (NM_001199973.2); c.177+9968T>C (NM_001199974.2); short protein forms K130R, K171R.
Identifiers: ClinVar variation 4087353 (VCV004087353.2).